The following is an entry in ClinVar:

ClinVar aggregate classification (germline): Uncertain significance (1 of 4 stars; one submission).

Conditions:
NRP1-related disorder. Also called: NRP1-related condition.

Submission:

PreventionGenetics, part of Exact Sciences
Classification: Uncertain significance for NRP1-related condition. Last evaluated: 2026-06-05. Review status: criteria provided, single submitter. Criteria: ACMG Guidelines, 2015. Collection method: clinical testing. Allele origin: germline.
Comment: The NRP1 c.676C>T variant is predicted to result in the amino acid substitution p.Arg226Cys. This variant was reported in an individual with isolated hypogonadotropic hypogonadism (Men et al. 2021. PubMed ID: 34636164). This variant is reported in 0.016% of alleles in individuals of East Asian descent in gnomAD. At this time, the clinical significance of this variant is uncertain due to the absence of conclusive functional and genetic evidence.

NM_003873.7(NRP1):c.676C>T (p.Arg226Cys)

Gene: NRP1 (neuropilin 1; minus strand). Cytogenetic location: 10p11.22.
Variant type: single nucleotide variant.
Coding change: c.676C>T on transcript NM_003873.7 (MANE Select); coding-DNA position 676, C replaced by T.
Protein change: p.Arg226Cys; replaces arginine 226 with cysteine.
Molecular consequence: missense variant. On other transcripts: non-coding transcript variant (1).
Genome position (GRCh38, 1-based): chr10:33,256,454, G>A on the plus strand (C>T on the coding strand, the complement: NRP1 is on the minus strand). VCF-style: chr10-33256454-G-A. GRCh37 (hg19) VCF-style: chr10-33545382-G-A.
Other names: c.676C>T, p.Arg226Cys (NM_001024628.3, NM_001024629.3, NM_001244972.2 and 2 more transcripts); short protein forms R226C.
Identifiers: ClinVar variation 4982555 (VCV004982555.1).